The following is an entry in ClinVar:

ClinVar aggregate classification (germline): Uncertain significance (1 of 4 stars; one submission).

Submission:

Labcorp Genetics (formerly Invitae), Labcorp
Classification: Uncertain significance. Last evaluated: 2023-04-05. Review status: criteria provided, single submitter. Criteria: Invitae Variant Classification Sherloc (09022015). Collection method: clinical testing. Allele origin: germline.
Comment: This sequence change replaces glutamine, which is neutral and polar, with arginine, which is basic and polar, at codon 177 of the NACC1 protein (p.Gln177Arg). This variant is not present in population databases (gnomAD no frequency). This variant has not been reported in the literature in individuals affected with NACC1-related conditions. ClinVar contains an entry for this variant (Variation ID: 2080010). Advanced modeling of protein sequence and biophysical properties (such as structural, functional, and spatial information, amino acid conservation, physicochemical variation, residue mobility, and thermodynamic stability) performed at Invitae indicates that this missense variant is not expected to disrupt NACC1 protein function. In summary, the available evidence is currently insufficient to determine the role of this variant in disease. Therefore, it has been classified as a Variant of Uncertain Significance.

NM_052876.4(NACC1):c.530A>G (p.Gln177Arg)

Gene: NACC1 (nucleus accumbens associated 1; plus strand). Cytogenetic location: 19p13.13.
Variant type: single nucleotide variant.
Coding change: c.530A>G on transcript NM_052876.4 (MANE Select); coding-DNA position 530, A replaced by G.
Protein change: p.Gln177Arg; replaces glutamine 177 with arginine.
Molecular consequence: missense variant.
Genome position (GRCh38, 1-based): chr19:13,135,737, A>G. VCF-style: chr19-13135737-A-G. GRCh37 (hg19) VCF-style: chr19-13246551-A-G.
Other names: short protein forms Q177R.
Identifiers: ClinVar variation 2080010 (VCV002080010.4), dbSNP rs2145623590, ClinGen allele CA404325566.